The following is an entry in ClinVar:

ClinVar aggregate classification (germline): Uncertain significance. Review status: criteria provided, multiple submitters, no conflicts (2 of 4 stars). 3 submissions from 3 submitters: Uncertain significance (2). 1 of the submissions does not count toward it. Last evaluated 2022-03-21.

Conditions:
Congenital disorder of glycosylation with defective fucosylation 2 (CDGF2). Identifiers: MedGen C5193028, MONDO:0020777, OMIM 618324.

Allele frequency attached by ClinVar (database versions not stated): ExAC 0.00003; TOPMed 0.00002; gnomAD exomes 0.00004 and 0.00007.
gnomAD v4.1: 22 of 1,614,030 alleles (0.0014%); highest among the groups gnomAD compares: Admixed American, 0.037%; no homozygotes.

Submissions (3):

Baylor Genetics
Classification: Uncertain significance for Congenital disorder of glycosylation with defective fucosylation 2. Last evaluated: 2022-03-21. Review status: criteria provided, single submitter. Criteria: ACMG Guidelines, 2015. Collection method: clinical testing. Allele origin: unknown.

Undiagnosed Diseases Network, NIH
Classification: Uncertain significance for Congenital disorder of glycosylation with defective fucosylation 2. Last evaluated: 2019-04-03. Review status: criteria provided, single submitter. Criteria: ACMG Guidelines, 2015. Collection method: clinical testing. Allele origin: paternal. Inheritance: Autosomal recessive inheritance. Affected: yes. Observed: 1 variant allele, 1 compound heterozygote. Study: Undiagnosed Diseases Network (NIH), UDN.

OMIM
Classification: Pathogenic for CONGENITAL DISORDER OF GLYCOSYLATION WITH DEFECTIVE FUCOSYLATION 2. Last evaluated: 2019-02-22. Review status: no assertion criteria provided. Collection method: literature only. Allele origin: germline. Not counted in ClinVar's aggregate classification.

Literature cited by the submitters: PubMed 30503518 (cited by Undiagnosed Diseases Network, NIH and OMIM).

NM_145059.3(FCSK):c.667T>C (p.Ser223Pro)

Gene: FCSK (fucose kinase; plus strand). Cytogenetic location: 16q22.1.
Variant type: single nucleotide variant.
Coding change: c.667T>C on transcript NM_145059.3 (MANE Select); coding-DNA position 667, T replaced by C.
Protein change: p.Ser223Pro; replaces serine 223 with proline.
Molecular consequence: missense variant.
Genome position (GRCh38, 1-based): chr16:70,468,852, T>C. VCF-style: chr16-70468852-T-C. GRCh37 (hg19) VCF-style: chr16-70502755-T-C.
Other names: short protein forms S223P.
Identifiers: ClinVar variation 619033 (VCV000619033.7), dbSNP rs769009456, ClinGen allele CA8143045.
Genomic context (GRCh38, chr16:70,468,852, plus strand): 5'-TGTACCAGGGCCTGGTCCAGGGCCCTCCATCTCTGATCCTTTTGGGGTCCCTTCCAGGTC[T>C]CTGGGGTTGTCTTCTTCTCTGTGGAGACTGCCGAGCGCCTCCTAGCCACCCACGTGAGCC-3'
Protein context (NP_659496.2, residues 213-233): VRPDGRVPLV[Ser223Pro]GVVFFSVETA